The following is an entry in ClinVar:

ClinVar aggregate classification (germline): Uncertain significance. Review status: criteria provided, multiple submitters, no conflicts (2 of 4 stars). 2 submissions from 2 submitters: Uncertain significance (2). Last evaluated 2023-09-21.

Conditions:
Hereditary cancer-predisposing syndrome. Also called: Neoplastic Syndromes, Hereditary; Tumor predisposition; Hereditary neoplastic syndrome; Hereditary Cancer Syndrome. Identifiers: Orphanet 140162, MedGen C0027672, MeSH D009386, MONDO:0015356.

gnomAD v4.1: 1 of 1,613,966 alleles (0.000062%); no homozygotes.

Submissions (2):

Ambry Genetics
Classification: Uncertain significance for Hereditary cancer-predisposing syndrome. Last evaluated: 2023-09-21. Review status: criteria provided, single submitter. Criteria: Ambry Variant Classification Scheme 2023. Collection method: clinical testing. Allele origin: germline.
Comment: The p.D381G variant (also known as c.1142A>G), located in coding exon 8 of the RAD50 gene, results from an A to G substitution at nucleotide position 1142. The aspartic acid at codon 381 is replaced by glycine, an amino acid with similar properties. This amino acid position is conserved. In addition, this alteration is predicted to be tolerated by in silico analysis. Since supporting evidence is limited at this time, the clinical significance of this alteration remains unclear.

Labcorp Genetics (formerly Invitae), Labcorp
Classification: Uncertain significance for Hereditary cancer-predisposing syndrome. Last evaluated: 2022-05-20. Review status: criteria provided, single submitter. Criteria: Invitae Variant Classification Sherloc (09022015). Collection method: clinical testing. Allele origin: germline.
Comment: In summary, the available evidence is currently insufficient to determine the role of this variant in disease. Therefore, it has been classified as a Variant of Uncertain Significance. Algorithms developed to predict the effect of missense changes on protein structure and function (SIFT, PolyPhen-2, Align-GVGD) all suggest that this variant is likely to be tolerated. ClinVar contains an entry for this variant (Variation ID: 839160). This variant has not been reported in the literature in individuals affected with RAD50-related conditions. This variant is not present in population databases (gnomAD no frequency). This sequence change replaces aspartic acid, which is acidic and polar, with glycine, which is neutral and non-polar, at codon 381 of the RAD50 protein (p.Asp381Gly).

NM_005732.4(RAD50):c.1142A>G (p.Asp381Gly)

Gene: RAD50 (RAD50 double strand break repair protein; plus strand). Cytogenetic location: 5q31.1.
Variant type: single nucleotide variant.
Coding change: c.1142A>G on transcript NM_005732.4 (MANE Select); coding-DNA position 1142, A replaced by G.
Protein change: p.Asp381Gly; replaces aspartic acid 381 with glycine.
Molecular consequence: missense variant.
Genome position (GRCh38, 1-based): chr5:132,588,777, A>G. VCF-style: chr5-132588777-A-G. GRCh37 (hg19) VCF-style: chr5-131924469-A-G.
Other names: short protein forms D381G.
Identifiers: ClinVar variation 839160 (VCV000839160.9), dbSNP rs1750643514, ClinGen allele CA360942637.